The following is an entry in ClinVar:

NM_007186.6(CEP250):c.3517G>A (p.Gly1173Arg)

Gene: CEP250 (centrosomal protein 250; plus strand). Cytogenetic location: 20q11.22.
Variant type: single nucleotide variant.
Coding change: c.3517G>A on transcript NM_007186.6 (MANE Select); coding-DNA position 3517, G replaced by A.
Protein change: p.Gly1173Arg; replaces glycine 1173 with arginine.
Molecular consequence: missense variant.
Genome position (GRCh38, 1-based): chr20:35,497,929, G>A. VCF-style: chr20-35497929-G-A. GRCh37 (hg19) VCF-style: chr20-34085758-G-A.
Other names: c.1621G>A, p.Gly541Arg (NM_001318219.1); short protein forms G1173R, G541R.
Identifiers: ClinVar variation 1444297 (VCV001444297.8), dbSNP rs377120249, ClinGen allele CA9833487.

ClinVar aggregate classification (germline): Uncertain significance. Review status: criteria provided, multiple submitters, no conflicts (2 of 4 stars). 2 submissions from 2 submitters: Uncertain significance (2). Last evaluated 2024-11-11.

Allele frequency attached by ClinVar (database versions not stated): gnomAD 0.00003 and 0.00004; TOPMed 0.00003; gnomAD exomes 0.00005; ExAC 0.00006; ESP Exome Variant Server 0.00008.
gnomAD v4.1: 206 of 1,611,252 alleles (0.013%); highest among the groups gnomAD compares: Non-Finnish European, 0.016%; no homozygotes.

Submissions (2):

Labcorp Genetics (formerly Invitae), Labcorp
Classification: Uncertain significance. Last evaluated: 2024-11-11. Review status: criteria provided, single submitter. Criteria: Invitae Variant Classification Sherloc (09022015). Collection method: clinical testing. Allele origin: germline.
Comment: This sequence change replaces glycine, which is neutral and non-polar, with arginine, which is basic and polar, at codon 1173 of the CEP250 protein (p.Gly1173Arg). This variant is present in population databases (rs377120249, gnomAD 0.009%). This variant has not been reported in the literature in individuals affected with CEP250-related conditions. ClinVar contains an entry for this variant (Variation ID: 1444297). An algorithm developed to predict the effect of missense changes on protein structure and function (PolyPhen-2) suggests that this variant is likely to be tolerated. In summary, the available evidence is currently insufficient to determine the role of this variant in disease. Therefore, it has been classified as a Variant of Uncertain Significance.

Blueprint Genetics
Classification: Uncertain significance. Last evaluated: 2024-10-24. Review status: criteria provided, single submitter. Criteria: ACMG Guidelines, 2015. Collection method: clinical testing. Allele origin: germline.